The following is an entry in ClinVar:

NM_002519.3(NPAT):c.3454C>G (p.Pro1152Ala)

Gene: NPAT (nuclear protein, coactivator of histone transcription; minus strand). Cytogenetic location: 11q22.3.
Variant type: single nucleotide variant.
Coding change: c.3454C>G on transcript NM_002519.3 (MANE Select); coding-DNA position 3454, C replaced by G.
Protein change: p.Pro1152Ala; replaces proline 1152 with alanine.
Molecular consequence: missense variant.
Genome position (GRCh38, 1-based): chr11:108,161,632, G>C on the plus strand (C>G on the coding strand, the complement: NPAT is on the minus strand). VCF-style: chr11-108161632-G-C. GRCh37 (hg19) VCF-style: chr11-108032359-G-C.
Other names: c.3475C>G, p.Pro1159Ala (NM_001321307.1); short protein forms P1159A, P1152A.
Identifiers: ClinVar variation 1731585 (VCV001731585.2), dbSNP rs754809884, ClinGen allele CA6263579.
Genomic context (GRCh38, chr11:108,161,632, plus strand): 5'-ATAATTCATTCTCCTTATTAGCTGTTGCTTTATGGAAAGATTCAAGCACAATTTCTGTTG[G>C]TGAAACTTTCTTTTCTGATTGAGTTTCTCTTATGGTGGTATGCCGGCTAATGGCACTTTC-3'
Protein context (NP_002510.2, residues 1142-1162): RETQSEKKVS[Pro1152Ala]TEIVLESFHK

ClinVar aggregate classification (germline): Uncertain significance (1 of 4 stars; one submission).

Submission:

Ambry Genetics
Classification: Uncertain significance. Last evaluated: 2022-08-22. Review status: criteria provided, single submitter. Criteria: Ambry Variant Classification Scheme 2023. Collection method: clinical testing. Allele origin: germline.
Comment: The p.P1152A variant (also known as c.3454C>G), located in coding exon 17 of the NPAT gene, results from a C to G substitution at nucleotide position 3454. The proline at codon 1152 is replaced by alanine, an amino acid with highly similar properties. This amino acid position is conserved. In addition, this alteration is predicted to be tolerated by in silico analysis. Since supporting evidence is limited at this time, the clinical significance of this alteration remains unclear.